The following is an entry in ClinVar:

NM_000384.3(APOB):c.11509G>T (p.Ala3837Ser)

Gene: APOB (apolipoprotein B; minus strand). Cytogenetic location: 2p24.1.
Variant type: single nucleotide variant.
Coding change: c.11509G>T on transcript NM_000384.3 (MANE Select); coding-DNA position 11509, G replaced by T.
Protein change: p.Ala3837Ser; replaces alanine 3837 with serine.
Molecular consequence: missense variant.
Genome position (GRCh38, 1-based): chr2:21,005,359, C>A on the plus strand (G>T on the coding strand, the complement: APOB is on the minus strand). VCF-style: chr2-21005359-C-A. GRCh37 (hg19) VCF-style: chr2-21228231-C-A.
Other names: short protein forms A3837S.
Identifiers: ClinVar variation 548035 (VCV000548035.17), dbSNP rs1389480980, ClinGen allele CA345978343.

ClinVar aggregate classification (germline): Uncertain significance. Review status: criteria provided, multiple submitters, no conflicts (2 of 4 stars). 3 submissions from 3 submitters: Uncertain significance (3). Last evaluated 2026-07-08.

Conditions:
Hypercholesterolemia, autosomal dominant, type B (FHCL2). Also called: APOLIPOPROTEIN B-100, FAMILIAL DEFECTIVE; APOLIPOPROTEIN B-100, FAMILIAL LIGAND-DEFECTIVE; APOB-Related Familial Hypercholesterolemia, Autosomal Dominant; Familial Hypercholesterolemia Type B; HYPERCHOLESTEROLEMIA, FAMILIAL, DUE TO LIGAND-DEFECTIVE APOLIPOPROTEIN B; Familial hypercholesterolemia 2. Identifiers: MedGen C1704417, MONDO:0007751, OMIM 144010.
Familial hypobetalipoproteinemia 1. Also called: APOB-Related Familial Hypobetalipoproteinemia; Hypobetalipoproteinemia, normotriglyceridemic; Acanthocytosis with hypobetalipoproteinemia. Identifiers: MedGen C4551990, MONDO:0014252, OMIM 615558.
Hypercholesterolemia, familial, 1. Also called: LDL RECEPTOR DISORDER; Hyperlipoproteinemia Type IIa; HYPER-LOW-DENSITY-LIPOPROTEINEMIA; HYPERCHOLESTEROLEMIC XANTHOMATOSIS, FAMILIAL; Fredrickson type IIa hyperlipoproteinemia; Hyperlipoproteinemia type 2. Identifiers: Orphanet 391665, MedGen C0745103, MONDO:0007750, OMIM 143890.
Cardiovascular phenotype. Identifiers: MedGen CN230736.

Allele frequency attached by ClinVar (database versions not stated): gnomAD 0.00003 and 0.00004; TOPMed 0.00003.

Submissions (3):

Ambry Genetics
Classification: Uncertain significance for Cardiovascular phenotype. Last evaluated: 2026-07-08. Review status: criteria provided, single submitter. Criteria: Ambry Variant Classification Scheme 2023. Collection method: clinical testing. Allele origin: germline.

Labcorp Genetics (formerly Invitae), Labcorp
Classification: Uncertain significance for Familial hypobetalipoproteinemia 1; Hypercholesterolemia, autosomal dominant, type B. Last evaluated: 2019-07-24. Review status: criteria provided, single submitter. Criteria: Invitae Variant Classification Sherloc (09022015). Collection method: clinical testing. Allele origin: germline.
Comment: In summary, the available evidence is currently insufficient to determine the role of this variant in disease. Therefore, it has been classified as a Variant of Uncertain Significance. Algorithms developed to predict the effect of missense changes on protein structure and function (SIFT, PolyPhen-2, Align-GVGD) all suggest that this variant is likely to be tolerated, but these predictions have not been confirmed by published functional studies and their clinical significance is uncertain. This variant has not been reported in the literature in individuals with APOB-related conditions. ClinVar contains an entry for this variant (Variation ID: 548035). This variant is not present in population databases (ExAC no frequency). This sequence change replaces alanine with serine at codon 3837 of the APOB protein (p.Ala3837Ser). The alanine residue is weakly conserved and there is a moderate physicochemical difference between alanine and serine.

Robarts Research Institute, Western University
Classification: Uncertain significance for Hypercholesterolemia, familial, 1. Last evaluated: 2018-01-02. Review status: criteria provided, single submitter. Criteria: ACMG Guidelines, 2015. Collection method: clinical testing. Allele origin: germline. Inheritance: Autosomal dominant inheritance. Affected: yes.